The following is an entry in ClinVar:

ClinVar aggregate classification (germline): Likely benign (1 of 4 stars; one submission).

Conditions:
Tuberous sclerosis 2 (TSC2). Identifiers: Orphanet 805, MedGen C1860707, MONDO:0013199, OMIM 613254.

Submission:

Myriad Genetics, Inc.
Classification: Likely benign for Tuberous sclerosis 2. Last evaluated: 2025-06-06. Review status: criteria provided, single submitter. Criteria: Myriad Autosomal Dominant, Autosomal Recessive and X-Linked Classification Criteria (2023). Collection method: clinical testing. Allele origin: unknown.
Comment: This variant is considered likely benign. This variant is intronic and is not expected to impact mRNA splicing.

NM_000548.5(TSC2):c.5161-10_5161-8delinsCCA

Gene: TSC2 (TSC complex subunit 2; plus strand). Cytogenetic location: 16p13.3.
Variant type: Indel.
Coding change: c.5161-10_5161-8delinsCCA on transcript NM_000548.5 (MANE Select); 10 bases into the intron before coding-DNA position 5161 through 8 bases into the intron before coding-DNA position 5161, ACG replaced by CCA.
Molecular consequence: intron variant.
Genome position (GRCh38, 1-based): chr16:2,088,217-2,088,219, ACG replaced by CCA. VCF-style: chr16-2088217-ACG-CCA. GRCh37 (hg19) VCF-style: chr16-2138218-ACG-CCA.
Other names: c.4942-10_4942-8delinsCCA (NM_001406676.1); c.4816-10_4816-8delinsCCA (NM_001318829.2); c.4813-10_4813-8delinsCCA (NM_001406679.1); c.4993-10_4993-8delinsCCA (NM_001318832.2); c.4363-10_4363-8delinsCCA (NM_001406686.1, NM_001406685.1); c.3619-10_3619-8delinsCCA (NM_001406693.1, NM_001406692.1, NM_001406694.1); c.5053-10_5053-8delinsCCA (NM_001406667.1); c.5050-10_5050-8delinsCCA (NM_001406668.1); and 27 more.
Identifiers: ClinVar variation 4071106 (VCV004071106.1).